The following is an entry in ClinVar:

ClinVar aggregate classification (germline): Uncertain significance (1 of 4 stars; one submission).

Conditions:
Bethlem myopathy 1A. Also called: MYOPATHY, BENIGN CONGENITAL, WITH CONTRACTURES; Bethlem myopathy 1; Bethlem Muscular Dystrophy. Identifiers: Orphanet 610, MedGen CN029274, MONDO:0024530, OMIM 158810.

Submission:

Labcorp Genetics (formerly Invitae), Labcorp
Classification: Uncertain significance for Bethlem myopathy 1A. Last evaluated: 2021-03-28. Review status: criteria provided, single submitter. Criteria: Invitae Variant Classification Sherloc (09022015). Collection method: clinical testing. Allele origin: germline.
Comment: In summary, the available evidence is currently insufficient to determine the role of this variant in disease. Therefore, it has been classified as a Variant of Uncertain Significance. Nucleotide substitutions within the consensus splice site are a relatively common cause of aberrant splicing (PMID: 17576681, 9536098). Algorithms developed to predict the effect of sequence changes on RNA splicing suggest that this variant is not likely to affect RNA splicing, but this prediction has not been confirmed by published transcriptional studies. This variant has not been reported in the literature in individuals with COL6A1-related conditions. This variant is not present in population databases (ExAC no frequency). This sequence change falls in intron 18 of the COL6A1 gene. It does not directly change the encoded amino acid sequence of the COL6A1 protein. It affects a nucleotide within the consensus splice site of the intron.

Literature cited by the submitters: PubMed 17576681; PubMed 9536098.

NM_001848.3(COL6A1):c.1272+3G>A

Gene: COL6A1 (collagen type VI alpha 1 chain; plus strand). Cytogenetic location: 21q22.3.
Variant type: single nucleotide variant.
Coding change: c.1272+3G>A on transcript NM_001848.3 (MANE Select); 3 bases into the intron after coding-DNA position 1272, G replaced by A.
Molecular consequence: intron variant.
Genome position (GRCh38, 1-based): chr21:45,992,401, G>A. VCF-style: chr21-45992401-G-A. GRCh37 (hg19) VCF-style: chr21-47412315-G-A.
Identifiers: ClinVar variation 1520927 (VCV001520927.6), dbSNP rs2123475120, ClinGen allele CA2573157635.